The following is an entry in ClinVar:

ClinVar aggregate classification (germline): Pathogenic (1 of 4 stars; one submission).

Submission:

Labcorp Genetics (formerly Invitae), Labcorp
Classification: Pathogenic. Last evaluated: 2022-02-11. Review status: criteria provided, single submitter. Criteria: Invitae Variant Classification Sherloc (09022015). Collection method: clinical testing. Allele origin: germline.
Comment: This variant is not present in population databases (gnomAD no frequency). For these reasons, this variant has been classified as Pathogenic. This variant has not been reported in the literature in individuals affected with ZMYM2-related conditions. This sequence change creates a premature translational stop signal (p.Thr1114Hisfs*3) in the ZMYM2 gene. It is expected to result in an absent or disrupted protein product. Loss-of-function variants in ZMYM2 are known to be pathogenic (PMID: 32891193).

Literature cited by the submitters: PubMed 32891193.

NM_197968.4(ZMYM2):c.3336_3337del (p.Thr1114fs)

Gene: ZMYM2 (zinc finger MYM-type containing 2; plus strand). Cytogenetic location: 13q12.11.
Variant type: Microsatellite.
Coding change: c.3336_3337del on transcript NM_197968.4 (MANE Select); coding-DNA positions 3336 to 3337, 2 bases deleted (TC; older notation c.3336_3337delTC).
Protein change: p.Thr1114fs; shifts the reading frame from threonine 1114.
Molecular consequence: frameshift variant. On other transcripts: non-coding transcript variant (1).
Genome position (GRCh38, 1-based): chr13:20,067,273-20,067,274, TC deleted; deleting any 2 consecutive bases within chr13:20,067,268-20,067,274 gives the same sequence; the c. name uses the placement nearest the transcript's 3' end. VCF-style (leftmost placement, unchanged base first): chr13-20067267-ACT-A. GRCh37 (hg19) VCF-style: chr13-20641407-ACT-A.
Other names: c.3336_3337del, p.Thr1114fs (NM_001190964.4, NM_001190965.4, NM_001353157.2 and 5 more transcripts); c.3141_3142del, p.Thr1049fs (NM_001353161.3); c.3075_3076del, p.Thr1027fs (NM_001353163.2); short protein forms T1027fs, T1114fs, T1049fs.
Identifiers: ClinVar variation 2096321 (VCV002096321.4), dbSNP rs2504197609, ClinGen allele CA2580614611.
Genomic context (GRCh38, chr13:20,067,267, plus strand): 5'-TAACAATTATTTTTTATTTTATGTATTTTTAGCTAAATCAGTAAAGTTAAAAGAGGATCT[ACT>A]CTCTCACACCACAGCTGAGCTTAACTATGGGTTAGCTCATTTTGTCAATGAGATCCGACG-3'